The following is an entry in ClinVar:

NM_001042492.3(NF1):c.5484del (p.Thr1829fs)

Gene: NF1 (neurofibromin 1; plus strand). Cytogenetic location: 17q11.2.
Variant type: Deletion.
Coding change: c.5484del on transcript NM_001042492.3 (MANE Select); coding-DNA position 5484, one base deleted (G; older notation c.5484delG).
Protein change: p.Thr1829fs; shifts the reading frame from threonine 1829.
Molecular consequence: frameshift variant.
Genome position (GRCh38, 1-based): chr17:31,327,714, G deleted; the last of 2 consecutive G bases (chr17:31,327,713-31,327,714); deleting either gives the same sequence. VCF-style (leftmost placement, unchanged base first): chr17-31327712-CG-C. GRCh37 (hg19) VCF-style: chr17-29654730-CG-C.
Other names: c.5421delG, p.Thr1808Profs (NM_000267.4); short protein forms T1829fs, T1808fs.
Identifiers: ClinVar variation 2794956 (VCV002794956.3), dbSNP rs2508707140, ClinGen allele CA2739267468.

ClinVar aggregate classification (germline): Pathogenic (1 of 4 stars; one submission).

Conditions:
Neurofibromatosis, type 1 (NF1). Also called: VON RECKLINGHAUSEN DISEASE; Neurofibromatosis, type I; NEUROFIBROMATOSIS, TYPE I, SOMATIC; Peripheral type neurofibromatosis. Identifiers: Orphanet 636, MedGen C0027831, MONDO:0018975, OMIM 162200. Disease mechanism: loss of function.

Submission:

Labcorp Genetics (formerly Invitae), Labcorp
Classification: Pathogenic for Neurofibromatosis, type 1. Last evaluated: 2023-10-22. Review status: criteria provided, single submitter. Criteria: Invitae Variant Classification Sherloc (09022015). Collection method: clinical testing. Allele origin: germline.
Comment: This sequence change creates a premature translational stop signal (p.Thr1808Profs*34) in the NF1 gene. It is expected to result in an absent or disrupted protein product. Loss-of-function variants in NF1 are known to be pathogenic (PMID: 10712197, 23913538). This variant is not present in population databases (gnomAD no frequency). This variant has not been reported in the literature in individuals affected with NF1-related conditions. For these reasons, this variant has been classified as Pathogenic.

Literature cited by the submitters: PubMed 10712197; PubMed 23913538.